The following is an entry in ClinVar:

ClinVar aggregate classification (germline): Uncertain significance (0 of 4 stars; one submission).

Conditions:
KCNC1-related disorder. Also called: KCNC1-related condition; KCNC1-Related Disorders. Identifiers: MedGen CN381541.

Submission:

PreventionGenetics, part of Exact Sciences
Classification: Uncertain significance for KCNC1-related condition. Last evaluated: 2023-11-08. Review status: no assertion criteria provided. Collection method: clinical testing. Allele origin: germline.
Comment: The KCNC1 c.1435C>T variant is predicted to result in the amino acid substitution p.Pro479Ser. To our knowledge, this variant has not been reported in the literature or in a large population database, indicating this variant is rare. At this time, the clinical significance of this variant is uncertain due to the absence of conclusive functional and genetic evidence.

NM_001112741.2(KCNC1):c.1435C>T (p.Pro479Ser)

Gene: KCNC1 (potassium voltage-gated channel subfamily C member 1; plus strand). Cytogenetic location: 11p15.1.
Variant type: single nucleotide variant.
Coding change: c.1435C>T on transcript NM_001112741.2 (MANE Select); coding-DNA position 1435, C replaced by T.
Protein change: p.Pro479Ser; replaces proline 479 with serine.
Molecular consequence: missense variant.
Genome position (GRCh38, 1-based): chr11:17,772,529, C>T. VCF-style: chr11-17772529-C-T. GRCh37 (hg19) VCF-style: chr11-17794076-C-T.
Other names: c.1435C>T, p.Pro479Ser (NM_004976.4); short protein forms P479S.
Identifiers: ClinVar variation 2628451 (VCV002628451.3), dbSNP rs2497801685, ClinGen allele CA379810151.